The following is an entry in ClinVar:

NM_000059.4(BRCA2):c.2618dup (p.Thr874fs)

Gene: BRCA2 (BRCA2 DNA repair associated; plus strand). Cytogenetic location: 13q13.1.
Variant type: Duplication.
Coding change: c.2618dup on transcript NM_000059.4 (MANE Select); coding-DNA position 2618, one base duplicated (T; older notation c.2618dupT).
Protein change: p.Thr874fs; shifts the reading frame from threonine 874.
Molecular consequence: frameshift variant.
Genome position (GRCh38, 1-based): chr13:32,336,973, T duplicated. VCF-style (leftmost placement, unchanged base first): chr13-32336972-A-AT. GRCh37 (hg19) VCF-style: chr13-32911109-A-AT.
Other names: 2846insT; c.2618dupT (NM_000059.3); short protein forms T874fs.
Identifiers: ClinVar variation 91780 (VCV000091780.16), dbSNP rs398122749, ClinGen allele CA015865.

ClinVar aggregate classification (germline): Pathogenic. Review status: reviewed by expert panel (3 of 4 stars). 6 submissions from 6 submitters: Pathogenic (1). 5 of the submissions do not count toward it. Last evaluated 2016-09-08.

Conditions:
Hereditary breast ovarian cancer syndrome. Also called: Breast and ovarian cancer; Hereditary breast and ovarian cancer; Hereditary breast and ovarian cancer syndrome; BRCA1- and BRCA2-Associated Hereditary Breast and Ovarian Cancer; Hereditary breast and ovarian cancer syndrome (HBOC); Hereditary breast and/or ovarian cancer syndrome. Identifiers: Orphanet 145, MedGen C0677776, MeSH D061325, MONDO:0003582. Disease mechanism: loss of function.
Familial cancer of breast. Also called: BREAST CANCER, FAMILIAL; hereditary breast carcinoma; Hereditary breast cancer. Identifiers: Orphanet 227535, MedGen C0346153, MONDO:0016419, OMIM 114480. Disease mechanism: loss of function.
Hereditary cancer-predisposing syndrome. Also called: Tumor predisposition; Hereditary Cancer Syndrome; Neoplastic Syndromes, Hereditary; Hereditary neoplastic syndrome. Identifiers: Orphanet 140162, MedGen C0027672, MeSH D009386, MONDO:0015356.
Breast-ovarian cancer, familial, susceptibility to, 2 (BROVCA2). Also called: BRCA2 Hereditary Breast and Ovarian Cancer. Identifiers: Orphanet 145, MedGen C2675520, MONDO:0012933, OMIM 612555. Disease mechanism: loss of function.

Allele frequency attached by ClinVar (database versions not stated): gnomAD exomes below 0.00001.

Submissions (6):

Evidence-based Network for the Interpretation of Germline Mutant Alleles (ENIGMA)
Classification: Pathogenic for Breast-ovarian cancer, familial, susceptibility to, 2. Last evaluated: 2016-09-08. Review status: reviewed by expert panel. Criteria: ENIGMA BRCA1/2 Classification Criteria (2015). Collection method: curation. Allele origin: germline.
Comment: Variant allele predicted to encode a truncated non-functional protein.

Baylor Genetics
Classification: Pathogenic for Familial cancer of breast. Last evaluated: 2023-07-15. Review status: criteria provided, single submitter. Criteria: ACMG Guidelines, 2015. Collection method: clinical testing. Allele origin: unknown. Not counted in ClinVar's aggregate classification.

Labcorp Genetics (formerly Invitae), Labcorp
Classification: Pathogenic for Hereditary breast ovarian cancer syndrome. Last evaluated: 2021-07-26. Review status: criteria provided, single submitter. Criteria: Invitae Variant Classification Sherloc (09022015). Collection method: clinical testing. Allele origin: germline. Not counted in ClinVar's aggregate classification.
Comment: Loss-of-function variants in BRCA2 are known to be pathogenic (PMID: 20104584). For these reasons, this variant has been classified as Pathogenic. This variant has not been reported in the literature in individuals with BRCA2-related disease. ClinVar contains an entry for this variant (Variation ID: 91780). This variant is not present in population databases (ExAC no frequency). This sequence change creates a premature translational stop signal (p.Thr874Asnfs*7) in the BRCA2 gene. It is expected to result in an absent or disrupted protein product.

Ambry Genetics
Classification: Pathogenic for Hereditary cancer-predisposing syndrome. Last evaluated: 2018-10-30. Review status: criteria provided, single submitter. Criteria: Ambry Variant Classification Scheme 2023. Collection method: clinical testing. Allele origin: germline. Not counted in ClinVar's aggregate classification.
Comment: The c.2618dupT pathogenic mutation, located in coding exon 10 of the BRCA2 gene, results from a duplication of T at nucleotide position 2618, causing a translational frameshift with a predicted alternate stop codon (p.T874Nfs*7). This alteration is expected to result in loss of function by premature protein truncation or nonsense-mediated mRNA decay. As such, this alteration is interpreted as a disease-causing mutation.

Consortium of Investigators of Modifiers of BRCA1/2 (CIMBA), c/o University of Cambridge
Classification: Pathogenic for Breast-ovarian cancer, familial, susceptibility to, 2. Last evaluated: 2015-10-02. Review status: criteria provided, single submitter. Criteria: CIMBA Mutation Classification guidelines May 2016. Collection method: clinical testing. Allele origin: germline. Not counted in ClinVar's aggregate classification.

Sharing Clinical Reports Project (SCRP)
Classification: Pathogenic for Breast-ovarian cancer, familial 2. Last evaluated: 2010-03-22. Review status: no assertion criteria provided. Collection method: clinical testing. Allele origin: germline. Not counted in ClinVar's aggregate classification.

Literature cited by the submitters: PubMed 20104584 (cited by Labcorp Genetics (formerly Invitae), Labcorp).